The following is an entry in ClinVar:

NM_004304.5(ALK):c.2609T>C (p.Leu870Pro)

Gene: ALK (ALK receptor tyrosine kinase; minus strand). Cytogenetic location: 2p23.2.
Variant type: single nucleotide variant.
Coding change: c.2609T>C on transcript NM_004304.5 (MANE Select); coding-DNA position 2609, T replaced by C.
Protein change: p.Leu870Pro; replaces leucine 870 with proline.
Molecular consequence: missense variant.
Genome position (GRCh38, 1-based): chr2:29,232,327, A>G on the plus strand (T>C on the coding strand, the complement: ALK is on the minus strand). VCF-style: chr2-29232327-A-G. GRCh37 (hg19) VCF-style: chr2-29455193-A-G.
Other names: c.2609T>C (NM_004304.4); short protein forms L870P.
Identifiers: ClinVar variation 1513784 (VCV001513784.10), dbSNP rs1279549141, ClinGen allele CA346471576.

ClinVar aggregate classification (germline): Uncertain significance. Review status: criteria provided, multiple submitters, no conflicts (2 of 4 stars). 2 submissions from 2 submitters: Uncertain significance (2). Last evaluated 2025-10-16.

Conditions:
Hereditary cancer-predisposing syndrome. Also called: Neoplastic Syndromes, Hereditary; Hereditary Cancer Syndrome; Tumor predisposition; Hereditary neoplastic syndrome. Identifiers: Orphanet 140162, MedGen C0027672, MeSH D009386, MONDO:0015356.
Neuroblastoma, susceptibility to, 3. Also called: ALK-Related Neuroblastic Tumor Susceptibility. Identifiers: Orphanet 635, MedGen C2751681, MONDO:0013083, OMIM 613014.

Allele frequency attached by ClinVar (database versions not stated): gnomAD exomes below 0.00001 and 0.00002; gnomAD 0.00001; TOPMed 0.00001.
gnomAD v4.1: 8 of 1,614,134 alleles (0.0005%); highest among the groups gnomAD compares: Admixed American, 0.0067%; no homozygotes.

Submissions (2):

Ambry Genetics
Classification: Uncertain significance for Hereditary cancer-predisposing syndrome. Last evaluated: 2025-10-16. Review status: criteria provided, single submitter. Criteria: Ambry Variant Classification Scheme 2023. Collection method: clinical testing. Allele origin: germline.
Comment: The p.L870P variant (also known as c.2609T>C), located in coding exon 15 of the ALK gene, results from a T to C substitution at nucleotide position 2609. The leucine at codon 870 is replaced by proline, an amino acid with similar properties. This amino acid position is conserved. In addition, this alteration is predicted to be deleterious by in silico analysis. Since supporting evidence is limited at this time, the clinical significance of this alteration remains unclear.

Labcorp Genetics (formerly Invitae), Labcorp
Classification: Uncertain significance for Neuroblastoma, susceptibility to, 3. Last evaluated: 2025-09-10. Review status: criteria provided, single submitter. Criteria: Invitae Variant Classification Sherloc (09022015). Collection method: clinical testing. Allele origin: germline.
Comment: This sequence change replaces leucine, which is neutral and non-polar, with proline, which is neutral and non-polar, at codon 870 of the ALK protein (p.Leu870Pro). This variant is present in population databases (no rsID available, gnomAD 0.009%). This variant has not been reported in the literature in individuals affected with ALK-related conditions. ClinVar contains an entry for this variant (Variation ID: 1513784). An algorithm developed to predict the effect of missense changes on protein structure and function (PolyPhen-2) suggests that this variant is likely to be disruptive. In summary, the available evidence is currently insufficient to determine the role of this variant in disease. Therefore, it has been classified as a Variant of Uncertain Significance.